The following is an entry in ClinVar:

NC_000015.10:g.(?_90790643)_(90790850_?)del

Gene: BLM (BLM RecQ like helicase; plus strand). Cytogenetic location: 15q26.1.
Variant type: Deletion.
Identifiers: ClinVar variation 524847 (VCV000524847.1).

ClinVar aggregate classification (germline): Pathogenic (1 of 4 stars; one submission).

Conditions:
Bloom syndrome (BLM). Also called: Bloom-Torre-Machacek syndrome. Identifiers: Orphanet 125, MedGen C0005859, MONDO:0008876, OMIM 210900.

Submission:

Labcorp Genetics (formerly Invitae), Labcorp
Classification: Pathogenic for Bloom syndrome. Last evaluated: 2017-09-06. Review status: criteria provided, single submitter. Criteria: Invitae Variant Classification Sherloc (09022015). Collection method: clinical testing. Allele origin: germline.
Comment: This variant is an out-of-frame deletion of the genomic region encompassing exon 15 of the BLM gene. This is expected to create a premature translational stop signal and result in an absent or disrupted protein product. A similar deletion of exon 15 has been reported in the literature in an individual with Bloom syndrome who also had a second pathogenic BLM variant (PMID: 17407155). Loss-of-function variants in BLM are known to be pathogenic (PMID: 17407155). For these reasons, this variant has been classified as Pathogenic.

Literature cited by the submitters: PubMed 17407155.